The following is an entry in ClinVar:

NM_004360.5(CDH1):c.2458A>G (p.Thr820Ala)

Gene: CDH1 (cadherin 1; plus strand). Cytogenetic location: 16q22.1.
Variant type: single nucleotide variant.
Coding change: c.2458A>G on transcript NM_004360.5 (MANE Select); coding-DNA position 2458, A replaced by G.
Protein change: p.Thr820Ala; replaces threonine 820 with alanine.
Molecular consequence: missense variant.
Genome position (GRCh38, 1-based): chr16:68,833,308, A>G. VCF-style: chr16-68833308-A-G. GRCh37 (hg19) VCF-style: chr16-68867211-A-G.
Other names: c.2458A>G (LRG_301t1); c.2275A>G, p.Thr759Ala (NM_001317184.2); c.910A>G, p.Thr304Ala (NM_001317185.2); c.493A>G, p.Thr165Ala (NM_001317186.2); short protein forms T820A, T759A, T165A, T304A.
Identifiers: ClinVar variation 239896 (VCV000239896.19), dbSNP rs878854685, ClinGen allele CA10583423.
Genomic context (GRCh38, chr16:68,833,308, plus strand): 5'-CCTTCCTTTCACTAAAAGATGCTTTTGTCCCTTCTTCTTTAGAATCTGAAAGCGGCTGAT[A>G]CTGACCCCACAGCCCCGCCTTATGATTCTCTGCTCGTGTTTGACTATGAAGGAAGCGGTT-3'
Protein context (NP_004351.1, residues 810-830): FIDENLKAAD[Thr820Ala]DPTAPPYDSL

ClinVar aggregate classification (germline): Conflicting classifications of pathogenicity. Review status: criteria provided, conflicting classifications (1 of 4 stars). 5 submissions from 5 submitters: Uncertain significance (4); Likely benign (1). Last evaluated 2025-08-18.

Conditions:
Familial cancer of breast. Also called: BREAST CANCER, FAMILIAL; Hereditary breast cancer; hereditary breast carcinoma. Identifiers: Orphanet 227535, MedGen C0346153, MONDO:0016419, OMIM 114480. Disease mechanism: loss of function.
Hereditary cancer-predisposing syndrome. Also called: Neoplastic Syndromes, Hereditary; Tumor predisposition; Hereditary neoplastic syndrome; Hereditary Cancer Syndrome. Identifiers: Orphanet 140162, MedGen C0027672, MeSH D009386, MONDO:0015356.
Hereditary diffuse gastric adenocarcinoma (HDGC). Also called: DIFFUSE GASTRIC AND LOBULAR BREAST CANCER SYNDROME. Identifiers: Orphanet 26106, MedGen C1708349, MONDO:0007648, OMIM 137215.

Allele frequency attached by ClinVar (database versions not stated): TOPMed below 0.00001; gnomAD 0.00001.
gnomAD v4.1: 1 of 1,614,014 alleles (0.000062%); highest among the groups gnomAD compares: Non-Finnish European, 0.000085%; no homozygotes.

Submissions (5):

Labcorp Genetics (formerly Invitae), Labcorp
Classification: Uncertain significance for Hereditary diffuse gastric adenocarcinoma. Last evaluated: 2025-08-18. Review status: criteria provided, single submitter. Criteria: Invitae Variant Classification Sherloc (09022015). Collection method: clinical testing. Allele origin: germline.
Comment: This sequence change replaces threonine, which is neutral and polar, with alanine, which is neutral and non-polar, at codon 820 of the CDH1 protein (p.Thr820Ala). This variant is not present in population databases (gnomAD no frequency). This variant has not been reported in the literature in individuals affected with CDH1-related conditions. ClinVar contains an entry for this variant (Variation ID: 239896). An algorithm developed to predict the effect of missense changes on protein structure and function (PolyPhen-2) suggests that this variant is likely to be tolerated. In summary, the available evidence is currently insufficient to determine the role of this variant in disease. Therefore, it has been classified as a Variant of Uncertain Significance.

Ambry Genetics
Classification: Likely benign for Hereditary cancer-predisposing syndrome. Last evaluated: 2024-03-26. Review status: criteria provided, single submitter. Criteria: Ambry Variant Classification Scheme 2023. Collection method: clinical testing. Allele origin: germline.

Baylor Genetics
Classification: Uncertain significance for Familial cancer of breast. Last evaluated: 2024-01-04. Review status: criteria provided, single submitter. Criteria: ACMG Guidelines, 2015. Collection method: clinical testing. Allele origin: unknown.

Color Diagnostics, LLC DBA Color Health
Classification: Uncertain significance for Hereditary cancer-predisposing syndrome. Last evaluated: 2023-12-04. Review status: criteria provided, single submitter. Criteria: ACMG Guidelines, 2015. Collection method: clinical testing. Allele origin: germline.
Comment: This missense variant replaces threonine with alanine at codon 820 of the CDH1 protein. To our knowledge, functional studies have not been reported for this variant. This variant has not been reported in individuals affected with hereditary cancer in the literature. This variant has not been identified in the general population by the Genome Aggregation Database (gnomAD). The available evidence is insufficient to determine the role of this variant in disease conclusively. Therefore, this variant is classified as a Variant of Uncertain Significance.

MGZ Medical Genetics Center
Classification: Uncertain significance for Hereditary diffuse gastric adenocarcinoma. Last evaluated: 2022-08-08. Review status: criteria provided, single submitter. Criteria: ACMG Guidelines, 2015. Collection method: clinical testing. Allele origin: germline. Affected: yes. Observed: 1 variant allele.
Comment: ACMG criteria applied: PM2_SUP, BP4